The following is an entry in ClinVar:

ClinVar aggregate classification (germline): Uncertain significance (1 of 4 stars; one submission).

Submission:

Labcorp Genetics (formerly Invitae), Labcorp
Classification: Uncertain significance. Last evaluated: 2020-03-11. Review status: criteria provided, single submitter. Criteria: Invitae Variant Classification Sherloc (09022015). Collection method: clinical testing. Allele origin: germline.
Comment: This sequence change replaces proline with serine at codon 441 of the POLE protein (p.Pro441Ser). The proline residue is highly conserved and there is a moderate physicochemical difference between proline and serine. This variant is not present in population databases (ExAC no frequency). This variant has not been reported in the literature in individuals with POLE-related conditions. Algorithms developed to predict the effect of missense changes on protein structure and function are either unavailable or do not agree on the potential impact of this missense change (SIFT: "Deleterious"; PolyPhen-2: "Probably Damaging"; Align-GVGD: "Class C0"). In summary, the available evidence is currently insufficient to determine the role of this variant in disease. Therefore, it has been classified as a Variant of Uncertain Significance.

NM_006231.4(POLE):c.1321C>T (p.Pro441Ser)

Gene: POLE (DNA polymerase epsilon, catalytic subunit; minus strand). Cytogenetic location: 12q24.33.
Variant type: single nucleotide variant.
Coding change: c.1321C>T on transcript NM_006231.4 (MANE Select); coding-DNA position 1321, C replaced by T.
Protein change: p.Pro441Ser; replaces proline 441 with serine.
Molecular consequence: missense variant.
Genome position (GRCh38, 1-based): chr12:132,673,613, G>A on the plus strand (C>T on the coding strand, the complement: POLE is on the minus strand). VCF-style: chr12-132673613-G-A. GRCh37 (hg19) VCF-style: chr12-133250199-G-A.
Other names: short protein forms P441S.
Identifiers: ClinVar variation 846853 (VCV000846853.9), dbSNP rs1005538045, ClinGen allele CA387359287.